The following is an entry in ClinVar:

NM_017654.4(SAMD9):c.3132A>C (p.Glu1044Asp)

Gene: SAMD9 (sterile alpha motif domain containing 9; minus strand). Cytogenetic location: 7q21.2.
Variant type: single nucleotide variant.
Coding change: c.3132A>C on transcript NM_017654.4 (MANE Select); coding-DNA position 3132, A replaced by C.
Protein change: p.Glu1044Asp; replaces glutamic acid 1044 with aspartic acid.
Molecular consequence: missense variant.
Genome position (GRCh38, 1-based): chr7:93,102,966, T>G on the plus strand (A>C on the coding strand, the complement: SAMD9 is on the minus strand). VCF-style: chr7-93102966-T-G. GRCh37 (hg19) VCF-style: chr7-92732279-T-G.
Other names: c.3132A>C (NM_017654.3); c.3132A>C, p.Glu1044Asp (NM_001193307.2); short protein forms E1044D.
Identifiers: ClinVar variation 1025808 (VCV001025808.9), dbSNP rs1791562308, ClinGen allele CA368188744.
Genomic context (GRCh38, chr7:93,102,966, plus strand): 5'-ATTTCCTTCATCTTTATGTAATGCTTCAATAAATGGGGAAAACCAATTTCCTGTTTCACC[T>G]TCATGTTCATCGCGGTGTCTTGTGAGTAGGAGTGTGTGCATATCTTGCAAAAATTTACTT-3'
Protein context (NP_060124.2, residues 1034-1054): LLLTRHRDEH[Glu1044Asp]GETGNWFSPF

ClinVar aggregate classification (germline): Uncertain significance. Review status: criteria provided, multiple submitters, no conflicts (2 of 4 stars). 2 submissions from 2 submitters: Uncertain significance (2). Last evaluated 2025-10-18.

Conditions:
Inborn genetic diseases. Identifiers: MedGen C0950123, MeSH D030342.

Allele frequency attached by ClinVar (database versions not stated): gnomAD exomes below 0.00001.

Submissions (2):

Labcorp Genetics (formerly Invitae), Labcorp
Classification: Uncertain significance. Last evaluated: 2025-10-18. Review status: criteria provided, single submitter. Criteria: Invitae Variant Classification Sherloc (09022015). Collection method: clinical testing. Allele origin: germline.
Comment: This sequence change replaces glutamic acid, which is acidic and polar, with aspartic acid, which is acidic and polar, at codon 1044 of the SAMD9 protein (p.Glu1044Asp). This variant is not present in population databases (gnomAD no frequency). This variant has not been reported in the literature in individuals affected with SAMD9-related conditions. ClinVar contains an entry for this variant (Variation ID: 1025808). Invitae Evidence Modeling of protein sequence and biophysical properties (such as structural, functional, and spatial information, amino acid conservation, physicochemical variation, residue mobility, and thermodynamic stability) indicates that this missense variant is not expected to disrupt SAMD9 protein function with a negative predictive value of 95%. In summary, the available evidence is currently insufficient to determine the role of this variant in disease. Therefore, it has been classified as a Variant of Uncertain Significance.

Ambry Genetics
Classification: Uncertain significance for Inborn genetic diseases. Last evaluated: 2024-12-15. Review status: criteria provided, single submitter. Criteria: Ambry Variant Classification Scheme 2023. Collection method: clinical testing. Allele origin: germline.
Comment: The p.E1044D variant (also known as c.3132A>C), located in coding exon 1 of the SAMD9 gene, results from an A to C substitution at nucleotide position 3132. The glutamic acid at codon 1044 is replaced by aspartic acid, an amino acid with highly similar properties. This amino acid position is conserved. In addition, this alteration is predicted to be tolerated by in silico analysis. Based on the available evidence, the clinical significance of this variant remains unclear.